The following is an entry in ClinVar:

NM_001114748.2(TMEM240):c.342C>G (p.Ala114=)

Gene: TMEM240 (transmembrane protein 240; minus strand). Cytogenetic location: 1p36.33.
Variant type: single nucleotide variant.
Coding change: c.342C>G on transcript NM_001114748.2 (MANE Select); coding-DNA position 342, C replaced by G.
Protein change: p.Ala114=; no amino-acid change (alanine 114 retained).
Molecular consequence: synonymous variant.
Genome position (GRCh38, 1-based): chr1:1,535,620, G>C on the plus strand (C>G on the coding strand, the complement: TMEM240 is on the minus strand). VCF-style: chr1-1535620-G-C. GRCh37 (hg19) VCF-style: chr1-1471000-G-C.
Identifiers: ClinVar variation 2638047 (VCV002638047.24), dbSNP rs532021282, ClinGen allele CA16796854.

ClinVar aggregate classification (germline): Likely benign (1 of 4 stars; one submission).

gnomAD v4.1: 67 of 1,549,612 alleles (0.0043%); highest among the groups gnomAD compares: Non-Finnish European, 0.0056%; no homozygotes.

Submission:

CeGaT Center for Human Genetics Tuebingen
Classification: Likely benign. Last evaluated: 2023-10-01. Review status: criteria provided, single submitter. Criteria: CeGaT Center For Human Genetics Tuebingen Variant Classification Criteria Version 2. Collection method: clinical testing. Allele origin: germline. Affected: yes. Observed: 1 variant allele.
Comment: TMEM240: BP4, BP7